The following is an entry in ClinVar:

NM_001792.5(CDH2):c.1289G>T (p.Arg430Leu)

Gene: CDH2 (cadherin 2; minus strand). Cytogenetic location: 18q12.1.
Variant type: single nucleotide variant.
Coding change: c.1289G>T on transcript NM_001792.5 (MANE Select); coding-DNA position 1289, G replaced by T.
Protein change: p.Arg430Leu; replaces arginine 430 with leucine.
Molecular consequence: missense variant.
Genome position (GRCh38, 1-based): chr18:27,992,710, C>A on the plus strand (G>T on the coding strand, the complement: CDH2 is on the minus strand). VCF-style: chr18-27992710-C-A. GRCh37 (hg19) VCF-style: chr18-25572674-C-A.
Other names: c.1196G>T, p.Arg399Leu (NM_001308176.2); short protein forms R399L, R430L.
Identifiers: ClinVar variation 3714141 (VCV003714141.2).
Genomic context (GRCh38, chr18:27,992,710, plus strand): 5'-CTTACTTTGACCACGGTGACTAACCCGTCGTTGCTGTTTGGGTCGGTCTGGATGGCGAAC[C>A]GTCCAGTAGGATCTCCGCCACTGATTCTGTACACTGCGTTCCAGGCTGGTGTATGGGGTT-3'
Protein context (NP_001783.2, residues 420-440): YRISGGDPTG[Arg430Leu]FAIQTDPNSN

ClinVar aggregate classification (germline): Uncertain significance (1 of 4 stars; one submission).

gnomAD v4.1: 32 of 1,613,586 alleles (0.002%); highest among the groups gnomAD compares: Non-Finnish European, 0.0027%; no homozygotes.

Submission:

Labcorp Genetics (formerly Invitae), Labcorp
Classification: Uncertain significance. Last evaluated: 2024-11-24. Review status: criteria provided, single submitter. Criteria: Invitae Variant Classification Sherloc (09022015). Collection method: clinical testing. Allele origin: germline.
Comment: This sequence change replaces arginine, which is basic and polar, with leucine, which is neutral and non-polar, at codon 430 of the CDH2 protein (p.Arg430Leu). This variant is present in population databases (no rsID available, gnomAD 0.003%). This variant has not been reported in the literature in individuals affected with CDH2-related conditions. An algorithm developed to predict the effect of missense changes on protein structure and function (PolyPhen-2) suggests that this variant is likely to be tolerated. In summary, the available evidence is currently insufficient to determine the role of this variant in disease. Therefore, it has been classified as a Variant of Uncertain Significance.